The following is an entry in ClinVar:

NM_001127222.2(CACNA1A):c.6190-3C>A

Gene: CACNA1A (calcium voltage-gated channel subunit alpha1 A; minus strand). Cytogenetic location: 19p13.13.
Variant type: single nucleotide variant.
Coding change: c.6190-3C>A on transcript NM_001127222.2 (MANE Select); 3 bases into the intron before coding-DNA position 6190, C replaced by A.
Molecular consequence: intron variant.
Genome position (GRCh38, 1-based): chr19:13,212,219, G>T on the plus strand (C>A on the coding strand, the complement: CACNA1A is on the minus strand). VCF-style: chr19-13212219-G-T. GRCh37 (hg19) VCF-style: chr19-13323033-G-T.
Other names: c.6193-3C>A (NM_001127221.2); c.6199-3C>A (NM_001174080.2); c.6208-3C>A (NM_000068.4, NM_023035.3).
Identifiers: ClinVar variation 385556 (VCV000385556.33), dbSNP rs368480650, ClinGen allele CA9239436.

ClinVar aggregate classification (germline): Conflicting classifications of pathogenicity. Review status: criteria provided, conflicting classifications (1 of 4 stars). 4 submissions from 4 submitters: Uncertain significance (3); Likely benign (1). Last evaluated 2026-01-01.

Conditions:
Developmental and epileptic encephalopathy, 42 (DEE42A). Also called: DEVELOPMENTAL AND EPILEPTIC ENCEPHALOPATHY 42A; EPILEPTIC ENCEPHALOPATHY, EARLY INFANTILE, 42A; Epileptic encephalopathy, early infantile, 42. Identifiers: MedGen C4310716, MONDO:0014917, OMIM 617106.
Episodic ataxia type 2 (EA2). Also called: ATAXIA, EPISODIC, WITH NYSTAGMUS; ATAXIA, FAMILIAL PAROXYSMAL; CEREBELLAR ATAXIA, PAROXYSMAL, ACETAZOLAMIDE-RESPONSIVE; CEREBELLOPATHY, HEREDITARY PAROXYSMAL; ACETAZOLAMIDE-RESPONSIVE HEREDITARY PAROXYSMAL CEREBELLAR ATAXIA; EPISODIC ATAXIA, NYSTAGMUS-ASSOCIATED. Identifiers: Orphanet 97, MedGen C1720416, MONDO:0007163, OMIM 108500.

Allele frequency attached by ClinVar (database versions not stated): gnomAD 0.00006; gnomAD exomes 0.00007 and 0.00008; TOPMed 0.00007; ExAC 0.00008; ESP Exome Variant Server 0.00008.
gnomAD v4.1: 126 of 1,612,890 alleles (0.0078%); highest among the groups gnomAD compares: Non-Finnish European, 0.01%; no homozygotes.

Submissions (4):

Labcorp Genetics (formerly Invitae), Labcorp
Classification: Uncertain significance for Developmental and epileptic encephalopathy, 42; Episodic ataxia type 2. Last evaluated: 2026-01-01. Review status: criteria provided, single submitter. Criteria: Invitae Variant Classification Sherloc (09022015). Collection method: clinical testing. Allele origin: germline.
Comment: This sequence change falls in intron 42 of the CACNA1A gene. It does not directly change the encoded amino acid sequence of the CACNA1A protein. It affects a nucleotide within the consensus splice site. This variant is present in population databases (rs368480650, gnomAD 0.01%). This variant has been observed in individual(s) with CACNA1A-related conditions (PMID: 37177896). ClinVar contains an entry for this variant (Variation ID: 385556). Variants that disrupt the consensus splice site are a relatively common cause of aberrant splicing (PMID: 17576681, 9536098). Studies have shown that this variant is associated with inconclusive levels of altered splicing (PMID: 37177896). In summary, the available evidence is currently insufficient to determine the role of this variant in disease. Therefore, it has been classified as a Variant of Uncertain Significance.

CeGaT Center for Human Genetics Tuebingen
Classification: Uncertain significance. Last evaluated: 2025-09-01. Review status: criteria provided, single submitter. Criteria: CeGaT Center For Human Genetics Tuebingen Variant Classification Criteria Version 2. Collection method: clinical testing. Allele origin: germline. Affected: yes. Observed: 4 variant alleles.

Athena Diagnostics
Classification: Uncertain significance. Last evaluated: 2020-02-05. Review status: criteria provided, single submitter. Criteria: Athena Diagnostics Criteria. Collection method: clinical testing. Allele origin: unknown.

GeneDx
Classification: Likely benign. Last evaluated: 2018-03-14. Review status: criteria provided, single submitter. Criteria: GeneDx Variant Classification Process June 2021. Collection method: clinical testing. Allele origin: germline. Affected: yes.

Literature cited by the submitters: PubMed 37177896 (cited by Labcorp Genetics (formerly Invitae), Labcorp); PubMed 17576681 (cited by Labcorp Genetics (formerly Invitae), Labcorp); PubMed 9536098 (cited by Labcorp Genetics (formerly Invitae), Labcorp).